The following is an entry in ClinVar:

NM_173076.3(ABCA12):c.2121+2T>G

Gene: ABCA12 (ATP binding cassette subfamily A member 12; minus strand). Cytogenetic location: 2q35.
Variant type: single nucleotide variant.
Coding change: c.2121+2T>G on transcript NM_173076.3 (MANE Select); the canonical splice donor site of the intron after coding-DNA position 2121, T replaced by G.
Molecular consequence: splice donor variant.
Genome position (GRCh38, 1-based): chr2:215,011,969, A>C on the plus strand (T>G on the coding strand, the complement: ABCA12 is on the minus strand). VCF-style: chr2-215011969-A-C. GRCh37 (hg19) VCF-style: chr2-215876693-A-C.
Other names: c.1167+2T>G (NM_015657.4).
Identifiers: ClinVar variation 379926 (VCV000379926.2), dbSNP rs763182554, ClinGen allele CA16604115.

ClinVar aggregate classification (germline): Pathogenic (1 of 4 stars; one submission).

Submission:

GeneDx
Classification: Pathogenic. Last evaluated: 2015-06-25. Review status: criteria provided, single submitter. Criteria: GeneDx Variant Classification (06012015). Collection method: clinical testing. Allele origin: germline. Affected: yes.
Comment: The c.2121+2T>G variant in the ABCA12 gene has not been reported previously as a pathogenic variant nor as a benign polymorphism, to our knowledge. This splice site variant destroys the canonicalsplice donor site in intron 16. It is predicted to cause abnormal gene splicing, either leading to an abnormalmessage that is subject to nonsense-mediated mRNA decay, or to an abnormal protein product if themessage is used for protein translation. The c.2121+2T>G variant was not observed in approximately6,500 individuals of European and African American ancestry in the NHLBI Exome Sequencing Project,indicating it is not a common benign variant in these populations. We interpret c.2121+2T>G as a pathogenic variant.